The following is an entry in ClinVar:

ClinVar aggregate classification (germline): Likely benign (1 of 4 stars; one submission).

gnomAD v4.1: 23 of 1,613,338 alleles (0.0014%); highest among the groups gnomAD compares: African/African-American, 0.004%; no homozygotes.

Submission:

CeGaT Center for Human Genetics Tuebingen
Classification: Likely benign. Last evaluated: 2024-12-01. Review status: criteria provided, single submitter. Criteria: CeGaT Center For Human Genetics Tuebingen Variant Classification Criteria Version 2. Collection method: clinical testing. Allele origin: germline. Affected: yes. Observed: 1 variant allele.
Comment: ANO3: BP4

NM_031418.4(ANO3):c.2027G>A (p.Arg676Gln)

Gene: ANO3 (anoctamin 3; plus strand). Cytogenetic location: 11p14.2.
Variant type: single nucleotide variant.
Coding change: c.2027G>A on transcript NM_031418.4 (MANE Select); coding-DNA position 2027, G replaced by A.
Protein change: p.Arg676Gln; replaces arginine 676 with glutamine.
Molecular consequence: missense variant.
Genome position (GRCh38, 1-based): chr11:26,635,054, G>A. VCF-style: chr11-26635054-G-A. GRCh37 (hg19) VCF-style: chr11-26656601-G-A.
Other names: c.2210G>A, p.Arg737Gln (NM_001313726.2); c.1589G>A, p.Arg530Gln (NM_001313727.2); short protein forms R530Q, R676Q, R737Q.
Identifiers: ClinVar variation 3772049 (VCV003772049.13).